The following is an entry in ClinVar:

NM_001401501.2(MUC16):c.9763A>G (p.Ser3255Gly)

Gene: MUC16 (mucin 16, cell surface associated; minus strand). Cytogenetic location: 19p13.2.
Variant type: single nucleotide variant.
Coding change: c.9763A>G on transcript NM_001401501.2 (MANE Select); coding-DNA position 9763, A replaced by G.
Protein change: p.Ser3255Gly; replaces serine 3255 with glycine.
Molecular consequence: missense variant.
Genome position (GRCh38, 1-based): chr19:8,967,127, T>C on the plus strand (A>G on the coding strand, the complement: MUC16 is on the minus strand). VCF-style: chr19-8967127-T-C. GRCh37 (hg19) VCF-style: chr19-9077803-T-C.
Other names: c.10189A>G, p.Ser3397Gly (NM_001414686.1); c.9643A>G, p.Ser3215Gly (NM_001414687.1, NM_024690.2); short protein forms S3215G, S3255G, S3397G.
Identifiers: ClinVar variation 3060141 (VCV003060141.2), dbSNP rs2591597, ClinGen allele CA9171634.

ClinVar aggregate classification (germline): Benign (0 of 4 stars; one submission).

Conditions:
MUC16-related disorder. Also called: MUC16-related condition.

Allele frequency attached by ClinVar (database versions not stated): 1000 Genomes Project 0.24840; 1000 Genomes Project 30x 0.24938; gnomAD 0.25948; TOPMed 0.26154; ExAC 0.26289; ESP Exome Variant Server 0.26291; gnomAD exomes 0.29280.

Submission:

PreventionGenetics, part of Exact Sciences
Classification: Benign for MUC16-related condition. Last evaluated: 2019-10-22. Review status: no assertion criteria provided. Collection method: clinical testing. Allele origin: germline.
Comment: This variant is classified as benign based on ACMG/AMP sequence variant interpretation guidelines (Richards et al. 2015 PMID: 25741868, with internal and published modifications).